The following is an entry in ClinVar:

NM_001455.4(FOXO3):c.*2326T>C

Gene: FOXO3 (forkhead box O3; plus strand). Cytogenetic location: 6q21.
Variant type: single nucleotide variant.
Coding change: c.*2326T>C on transcript NM_001455.4 (MANE Select); 2326 bases downstream of the stop codon, T replaced by C.
Molecular consequence: 3 prime UTR variant.
Genome position (GRCh38, 1-based): chr6:108,682,118, T>C. VCF-style: chr6-108682118-T-C. GRCh37 (hg19) VCF-style: chr6-109003321-T-C.
Other names: c.*2326T>C (NM_201559.3).
Identifiers: ClinVar variation 1272154 (VCV001272154.1), dbSNP rs4946936, ClinGen allele CA15423870.
Genomic context (GRCh38, chr6:108,682,118, plus strand): 5'-CTTCTGAGTTCAGAGAAACATGCAAAGTGACTAACAAAATAGCTACTTACCTTTGCAGTT[T>C]TACAGACCCTGGGAGCTGCTTTGGGAGTGAGAAAGGCAACCCTCCAATGTGTTTCAACTT-3'

ClinVar aggregate classification (germline): Benign (1 of 4 stars; one submission).

Allele frequency attached by ClinVar (database versions not stated): 1000 Genomes Project 30x 0.47658; 1000 Genomes Project 0.48263; TOPMed 0.52924; gnomAD 0.53342 and 0.53828; gnomAD exomes 0.62944.
gnomAD v4.1: 82,454 of 152,522 alleles (54%); highest among the groups gnomAD compares: East Asian, 71%; 26,452 homozygotes.

Submission:

GeneDx
Classification: Benign. Last evaluated: 2020-07-15. Review status: criteria provided, single submitter. Criteria: GeneDx Variant Classification Process June 2021. Collection method: clinical testing. Allele origin: germline. Affected: yes.
Comment: This variant is associated with the following publications: (PMID: 25060657)